The following is an entry in ClinVar:

NM_001853.4(COL9A3):c.19T>A (p.Cys7Ser)

Gene: COL9A3 (collagen type IX alpha 3 chain; plus strand). Cytogenetic location: 20q13.33.
Variant type: single nucleotide variant.
Coding change: c.19T>A on transcript NM_001853.4 (MANE Select); coding-DNA position 19, T replaced by A.
Protein change: p.Cys7Ser; replaces cysteine 7 with serine.
Molecular consequence: missense variant.
Genome position (GRCh38, 1-based): chr20:62,817,083, T>A. VCF-style: chr20-62817083-T-A. GRCh37 (hg19) VCF-style: chr20-61448435-T-A.
Other names: c.19T>A, p.Cys7Ser (LRG_1253t1); short protein forms C7S.
Identifiers: ClinVar variation 426860 (VCV000426860.14), dbSNP rs770930161, ClinGen allele CA9948983.

ClinVar aggregate classification (germline): Benign/Likely benign. Review status: criteria provided, multiple submitters, no conflicts (2 of 4 stars). 4 submissions from 4 submitters: Benign (1); Likely benign (2). 1 of the submissions does not count toward it. Last evaluated 2026-01-28.

Conditions:
COL9A3-related disorder. Also called: COL9A3-related condition.

Allele frequency attached by ClinVar (database versions not stated): gnomAD exomes 0.00011; ExAC 0.00023; 1000 Genomes Project 30x 0.00094; gnomAD 0.00116 and 0.00129; TOPMed 0.00150.
gnomAD v4.1: 320 of 1,390,164 alleles (0.023%); highest among the groups gnomAD compares: African/African-American, 0.41%; 2 homozygotes.

Submissions (4):

Labcorp Genetics (formerly Invitae), Labcorp
Classification: Benign. Last evaluated: 2026-01-28. Review status: criteria provided, single submitter. Criteria: Invitae Variant Classification Sherloc (09022015). Collection method: clinical testing. Allele origin: germline.

Blueprint Genetics
Classification: Likely benign. Last evaluated: 2024-11-26. Review status: criteria provided, single submitter. Criteria: ACMG Guidelines, 2015. Collection method: clinical testing. Allele origin: germline.

GeneDx
Classification: Likely benign. Last evaluated: 2019-12-20. Review status: criteria provided, single submitter. Criteria: GeneDx Variant Classification Process June 2021. Collection method: clinical testing. Allele origin: germline. Affected: yes.
Comment: Has not been previously published as pathogenic or benign to our knowledge

PreventionGenetics, part of Exact Sciences
Classification: Likely benign for COL9A3-related condition. Last evaluated: 2020-03-26. Review status: no assertion criteria provided. Collection method: clinical testing. Allele origin: germline. Not counted in ClinVar's aggregate classification.
Comment: This variant is classified as likely benign based on ACMG/AMP sequence variant interpretation guidelines (Richards et al. 2015 PMID: 25741868, with internal and published modifications).